The following is an entry in ClinVar:

NM_002582.4(PARN):c.842G>A (p.Gly281Glu)

Gene: PARN (poly(A)-specific ribonuclease; minus strand). Cytogenetic location: 16p13.12.
Variant type: single nucleotide variant.
Coding change: c.842G>A on transcript NM_002582.4 (MANE Select); coding-DNA position 842, G replaced by A.
Protein change: p.Gly281Glu; replaces glycine 281 with glutamic acid.
Molecular consequence: missense variant.
Genome position (GRCh38, 1-based): chr16:14,593,377, C>T on the plus strand (G>A on the coding strand, the complement: PARN is on the minus strand). VCF-style: chr16-14593377-C-T. GRCh37 (hg19) VCF-style: chr16-14687234-C-T.
Other names: c.659G>A, p.Gly220Glu (NM_001134477.3); c.704G>A, p.Gly235Glu (NM_001242992.2); short protein forms G220E, G235E, G281E.
Identifiers: ClinVar variation 1936987 (VCV001936987.5), dbSNP rs1016593820, ClinGen allele CA278518631.

ClinVar aggregate classification (germline): Uncertain significance (1 of 4 stars; one submission).

Conditions:
Dyskeratosis congenita, autosomal recessive 6 (DKCB6). Identifiers: MedGen C4225356, MONDO:0014600, OMIM 616353.
Pulmonary fibrosis and/or bone marrow failure, Telomere-related, 4. Also called: PULMONARY FIBROSIS AND/OR BONE MARROW FAILURE SYNDROME, TELOMERE-RELATED, 4. Identifiers: Orphanet 2032, MedGen C4225347, MONDO:0014612, OMIM 616371.

Allele frequency attached by ClinVar (database versions not stated): gnomAD exomes below 0.00001; TOPMed 0.00002.
gnomAD v4.1: 2 of 1,580,180 alleles (0.00013%); highest among the groups gnomAD compares: Admixed American, 0.0034%; no homozygotes.

Submission:

Labcorp Genetics (formerly Invitae), Labcorp
Classification: Uncertain significance for Dyskeratosis congenita, autosomal recessive 6; Pulmonary fibrosis and/or bone marrow failure, Telomere-related, 4. Last evaluated: 2024-08-05. Review status: criteria provided, single submitter. Criteria: Invitae Variant Classification Sherloc (09022015). Collection method: clinical testing. Allele origin: germline.
Comment: This sequence change replaces glycine, which is neutral and non-polar, with glutamic acid, which is acidic and polar, at codon 281 of the PARN protein (p.Gly281Glu). This variant is present in population databases (no rsID available, gnomAD 0.006%). This variant has not been reported in the literature in individuals affected with PARN-related conditions. ClinVar contains an entry for this variant (Variation ID: 1936987). An algorithm developed to predict the effect of missense changes on protein structure and function (PolyPhen-2) suggests that this variant is likely to be tolerated. In summary, the available evidence is currently insufficient to determine the role of this variant in disease. Therefore, it has been classified as a Variant of Uncertain Significance.